The following is an entry in ClinVar:

NM_002087.4(GRN):c.1515C>T (p.Ala505=)

Gene: GRN (granulin precursor; plus strand). Cytogenetic location: 17q21.31.
Variant type: single nucleotide variant.
Coding change: c.1515C>T on transcript NM_002087.4 (MANE Select); coding-DNA position 1515, C replaced by T.
Protein change: p.Ala505=; no amino-acid change (alanine 505 retained).
Molecular consequence: synonymous variant.
Genome position (GRCh38, 1-based): chr17:44,352,442, C>T. VCF-style: chr17-44352442-C-T. GRCh37 (hg19) VCF-style: chr17-42429810-C-T.
Other names: c.1515C>T (NM_002087.3).
Identifiers: ClinVar variation 1573475 (VCV001573475.19), dbSNP rs147495221, ClinGen allele CA8602227.

ClinVar aggregate classification (germline): Likely benign. Review status: criteria provided, multiple submitters, no conflicts (2 of 4 stars). 5 submissions from 5 submitters: Likely benign (4). 1 of the submissions does not count toward it. Last evaluated 2025-12-01.

Conditions:
Inborn genetic diseases. Identifiers: MedGen C0950123, MeSH D030342.
GRN-related frontotemporal lobar degeneration with Tdp43 inclusions (FTD2). Also called: DEMENTIA, HEREDITARY DYSPHASIC DISINHIBITION; FRONTOTEMPORAL LOBAR DEGENERATION WITH UBIQUITIN-POSITIVE INCLUSIONS; FTLD-TDP, GRN-RELATED; GRN Frontotemporal Dementia; FRONTOTEMPORAL DEMENTIA WITH TDP43 INCLUSIONS, GRN-RELATED. Identifiers: Orphanet 100070, Orphanet 282, MedGen C1843792, MONDO:0011842, OMIM 607485. Disease mechanism: loss of function.
Neuronal ceroid lipofuscinosis 11. Also called: GRN-Related Neuronal Ceroid-Lipofuscinosis. Identifiers: Orphanet 314629, Orphanet 79262, MedGen C3539123, MONDO:0013866, OMIM 614706.
GRN-related disorder. Also called: GRN-related disorders; GRN-related condition.

Allele frequency attached by ClinVar (database versions not stated): gnomAD exomes 0.00006 and 0.00017; ExAC 0.00015; gnomAD 0.00046 and 0.00052; TOPMed 0.00048; ESP Exome Variant Server 0.00069.
gnomAD v4.1: 173 of 1,614,142 alleles (0.011%); highest among the groups gnomAD compares: African/African-American, 0.13%; 1 homozygote.

Submissions (5):

Labcorp Genetics (formerly Invitae), Labcorp
Classification: Likely benign for Neuronal ceroid lipofuscinosis 11; GRN-related frontotemporal lobar degeneration with Tdp43 inclusions. Last evaluated: 2025-12-01. Review status: criteria provided, single submitter. Criteria: Invitae Variant Classification Sherloc (09022015). Collection method: clinical testing. Allele origin: germline.

CeGaT Center for Human Genetics Tuebingen
Classification: Likely benign. Last evaluated: 2025-11-01. Review status: criteria provided, single submitter. Criteria: CeGaT Center For Human Genetics Tuebingen Variant Classification Criteria Version 2. Collection method: clinical testing. Allele origin: germline. Affected: yes. Observed: 1 variant allele.
Comment: GRN: BP4, BP7

Blueprint Genetics
Classification: Likely benign. Last evaluated: 2024-09-23. Review status: criteria provided, single submitter. Criteria: ACMG Guidelines, 2015. Collection method: clinical testing. Allele origin: germline.

Ambry Genetics
Classification: Likely benign for Inborn genetic diseases. Last evaluated: 2018-12-07. Review status: criteria provided, single submitter. Criteria: Ambry Variant Classification Scheme 2023. Collection method: clinical testing. Allele origin: germline.

PreventionGenetics, part of Exact Sciences
Classification: Likely benign for GRN-related condition. Last evaluated: 2024-03-14. Review status: no assertion criteria provided. Collection method: clinical testing. Allele origin: germline. Not counted in ClinVar's aggregate classification.
Comment: This variant is classified as likely benign based on ACMG/AMP sequence variant interpretation guidelines (Richards et al. 2015 PMID: 25741868, with internal and published modifications).

Literature cited by the submitters: PubMed 20020531 (cited by Ambry Genetics).